The following is an entry in ClinVar:

ClinVar aggregate classification (germline): Uncertain significance (1 of 4 stars; one submission).

Conditions:
Familial cancer of breast. Also called: BREAST CANCER, FAMILIAL; Hereditary breast cancer; hereditary breast carcinoma. Identifiers: Orphanet 227535, MedGen C0346153, MONDO:0016419, OMIM 114480. Disease mechanism: loss of function.

Submission:

Labcorp Genetics (formerly Invitae), Labcorp
Classification: Uncertain significance for Familial cancer of breast. Last evaluated: 2024-01-21. Review status: criteria provided, single submitter. Criteria: Invitae Variant Classification Sherloc (09022015). Collection method: clinical testing. Allele origin: germline.
Comment: This sequence change replaces lysine, which is basic and polar, with glutamic acid, which is acidic and polar, at codon 1047 of the PALB2 protein (p.Lys1047Glu). This variant is not present in population databases (gnomAD no frequency). This missense change has been observed in individual(s) with breast cancer (PMID: 28580595). ClinVar contains an entry for this variant (Variation ID: 2064999). Advanced modeling of protein sequence and biophysical properties (such as structural, functional, and spatial information, amino acid conservation, physicochemical variation, residue mobility, and thermodynamic stability) performed at Invitae indicates that this missense variant is expected to disrupt PALB2 protein function with a positive predictive value of 80%. In summary, the available evidence is currently insufficient to determine the role of this variant in disease. Therefore, it has been classified as a Variant of Uncertain Significance.

Literature cited by the submitters: PubMed 28580595.

NM_024675.4(PALB2):c.3139A>G (p.Lys1047Glu)

Gene: PALB2 (partner and localizer of BRCA2; minus strand). Cytogenetic location: 16p12.2.
Variant type: single nucleotide variant.
Coding change: c.3139A>G on transcript NM_024675.4 (MANE Select); coding-DNA position 3139, A replaced by G.
Protein change: p.Lys1047Glu; replaces lysine 1047 with glutamic acid.
Molecular consequence: missense variant.
Genome position (GRCh38, 1-based): chr16:23,614,066, T>C on the plus strand (A>G on the coding strand, the complement: PALB2 is on the minus strand). VCF-style: chr16-23614066-T-C. GRCh37 (hg19) VCF-style: chr16-23625387-T-C.
Other names: c.3079A>G, p.Lys1027Glu (NM_001407296.1); c.3067A>G, p.Lys1023Glu (NM_001407297.1); c.2977A>G, p.Lys993Glu (NM_001407298.1, NM_001407302.1); c.2860A>G, p.Lys954Glu (NM_001407300.1); c.3139A>G, p.Lys1047Glu (NM_001407301.1); c.2254A>G, p.Lys752Glu (NM_001407304.1, NM_001407305.1, NM_001407306.1 and 2 more transcripts); c.2092A>G, p.Lys698Glu (NM_001407307.1); c.1351A>G, p.Lys451Glu (NM_001407312.1, NM_001407313.1); and 1 more; short protein forms K1027E, K698E, K993E, K225E, K954E, K1023E, K1047E, K752E.
Identifiers: ClinVar variation 2064999 (VCV002064999.2), dbSNP rs2506266710, ClinGen allele CA395141375.
Genomic context (GRCh38, chr16:23,614,066, plus strand): 5'-TTTCAGAATAGGCTTTGTGACAGACTGAAGCTTGGTAAGAATCATCAATGTGCATCTTTT[T>C]CAGGAGTTGACCAGTTTTTAAATTCCTTAGATAACAAAAATAAATAAGCTGATCACATTC-3'
Protein context (NP_078951.2, residues 1037-1057): IWNLKTGQLL[Lys1047Glu]KMHIDDSYQA